The following is an entry in ClinVar:

NM_005228.5(EGFR):c.586A>T (p.Asn196Tyr)

Gene: EGFR (epidermal growth factor receptor; plus strand). Cytogenetic location: 7p11.2.
Variant type: single nucleotide variant.
Coding change: c.586A>T on transcript NM_005228.5 (MANE Select); coding-DNA position 586, A replaced by T.
Protein change: p.Asn196Tyr; replaces asparagine 196 with tyrosine.
Molecular consequence: missense variant. On other transcripts: intron variant (1).
Genome position (GRCh38, 1-based): chr7:55,151,320, A>T. VCF-style: chr7-55151320-A-T. GRCh37 (hg19) VCF-style: chr7-55219013-A-T.
Other names: c.451A>T, p.Asn151Tyr (NM_001346897.2, NM_001346899.2); c.586A>T, p.Asn196Tyr (NM_001346898.2, NM_201282.2, NM_201283.2 and 1 more transcripts); c.427A>T, p.Asn143Tyr (NM_001346900.2); c.89-4510A>T (NM_001346941.2); short protein forms N196Y, N151Y, N143Y.
Identifiers: ClinVar variation 4638625 (VCV004638625.1).

ClinVar aggregate classification (germline): Uncertain significance (1 of 4 stars; one submission).

Conditions:
Hereditary cancer-predisposing syndrome. Also called: Neoplastic Syndromes, Hereditary; Tumor predisposition; Hereditary Cancer Syndrome; Hereditary neoplastic syndrome. Identifiers: Orphanet 140162, MedGen C0027672, MeSH D009386, MONDO:0015356.

Submission:

Ambry Genetics
Classification: Uncertain significance for Hereditary cancer-predisposing syndrome. Last evaluated: 2025-09-29. Review status: criteria provided, single submitter. Criteria: Ambry Variant Classification Scheme 2023. Collection method: clinical testing. Allele origin: germline.
Comment: The p.N196Y variant (also known as c.586A>T), located in coding exon 5 of the EGFR gene, results from an A to T substitution at nucleotide position 586. The asparagine at codon 196 is replaced by tyrosine, an amino acid with dissimilar properties. This amino acid position is conserved. In addition, the in silico prediction for this alteration is inconclusive. Based on the available evidence, the clinical significance of this variant remains unclear.